The following is an entry in ClinVar:

NM_005188.4(CBL):c.458A>G (p.Lys153Arg)

Gene: CBL (Cbl proto-oncogene; plus strand). Cytogenetic location: 11q23.3.
Variant type: single nucleotide variant.
Coding change: c.458A>G on transcript NM_005188.4 (MANE Select); coding-DNA position 458, A replaced by G.
Protein change: p.Lys153Arg; replaces lysine 153 with arginine.
Molecular consequence: missense variant.
Genome position (GRCh38, 1-based): chr11:119,271,749, A>G. VCF-style: chr11-119271749-A-G. GRCh37 (hg19) VCF-style: chr11-119142459-A-G.
Other names: c.458A>G (NM_005188.2); short protein forms K153R.
Identifiers: ClinVar variation 3681857 (VCV003681857.3).

ClinVar aggregate classification (germline): Uncertain significance. Review status: criteria provided, multiple submitters, no conflicts (2 of 4 stars). 2 submissions from 2 submitters: Uncertain significance (2). Last evaluated 2025-02-28.

Conditions:
RASopathy. Also called: Noonan spectrum disorder; rasopathies. Identifiers: Orphanet 536391, MedGen C5555857, MONDO:0021060.
Cardiovascular phenotype. Identifiers: MedGen CN230736.

gnomAD v4.1: 3 of 1,614,060 alleles (0.00019%); no homozygotes.

Submissions (2):

Ambry Genetics
Classification: Uncertain significance for Cardiovascular phenotype. Last evaluated: 2025-02-28. Review status: criteria provided, single submitter. Criteria: Ambry Variant Classification Scheme 2023. Collection method: clinical testing. Allele origin: germline.
Comment: The p.K153R variant (also known as c.458A>G), located in coding exon 3 of the CBL gene, results from an A to G substitution at nucleotide position 458. The lysine at codon 153 is replaced by arginine, an amino acid with highly similar properties. This amino acid position is conserved. In addition, this alteration is predicted to be deleterious by in silico analysis. Based on the available evidence, the clinical significance of this variant remains unclear.

Labcorp Genetics (formerly Invitae), Labcorp
Classification: Uncertain significance for RASopathy. Last evaluated: 2024-04-17. Review status: criteria provided, single submitter. Criteria: Invitae Variant Classification Sherloc (09022015). Collection method: clinical testing. Allele origin: germline.
Comment: This sequence change replaces lysine, which is basic and polar, with arginine, which is basic and polar, at codon 153 of the CBL protein (p.Lys153Arg). This variant is not present in population databases (gnomAD no frequency). This variant has not been reported in the literature in individuals affected with CBL-related conditions. Advanced modeling of protein sequence and biophysical properties (such as structural, functional, and spatial information, amino acid conservation, physicochemical variation, residue mobility, and thermodynamic stability) has been performed at Invitae for this missense variant, however the output from this modeling did not meet the statistical confidence thresholds required to predict the impact of this variant on CBL protein function. In summary, the available evidence is currently insufficient to determine the role of this variant in disease. Therefore, it has been classified as a Variant of Uncertain Significance.